The following is an entry in ClinVar:

ClinVar aggregate classification (germline): Uncertain significance (1 of 4 stars; one submission).

Conditions:
Spermatogenic failure 18. Identifiers: MedGen C4539783, MONDO:0054615, OMIM 617576.
Ciliary dyskinesia, primary, 37 (CILD37). Also called: CILIARY DYSKINESIA, PRIMARY, 37, WITH OR WITHOUT SITUS INVERSUS. Identifiers: MedGen C4539798, MONDO:0033204, OMIM 617577.

gnomAD v4.1: 1 of 1,613,000 alleles (0.000062%); no homozygotes.

Submission:

Labcorp Genetics (formerly Invitae), Labcorp
Classification: Uncertain significance for Ciliary dyskinesia, primary, 37; Spermatogenic failure 18. Last evaluated: 2020-10-14. Review status: criteria provided, single submitter. Criteria: Invitae Variant Classification Sherloc (09022015). Collection method: clinical testing. Allele origin: germline.
Comment: In summary, the available evidence is currently insufficient to determine the role of this variant in disease. Therefore, it has been classified as a Variant of Uncertain Significance. Algorithms developed to predict the effect of missense changes on protein structure and function are either unavailable or do not agree on the potential impact of this missense change (SIFT: "Deleterious"; PolyPhen-2: "Probably Damaging"; Align-GVGD: "Class C0"). This variant has not been reported in the literature in individuals with DNAH1-related conditions. This variant is not present in population databases (ExAC no frequency). This sequence change replaces leucine with arginine at codon 3309 of the DNAH1 protein (p.Leu3309Arg). The leucine residue is highly conserved and there is a moderate physicochemical difference between leucine and arginine.

NM_015512.5(DNAH1):c.9926T>G (p.Leu3309Arg)

Gene: DNAH1 (dynein axonemal heavy chain 1; plus strand). Cytogenetic location: 3p21.1.
Variant type: single nucleotide variant.
Coding change: c.9926T>G on transcript NM_015512.5 (MANE Select); coding-DNA position 9926, T replaced by G.
Protein change: p.Leu3309Arg; replaces leucine 3309 with arginine.
Molecular consequence: missense variant.
Genome position (GRCh38, 1-based): chr3:52,391,477, T>G. VCF-style: chr3-52391477-T-G. GRCh37 (hg19) VCF-style: chr3-52425493-T-G.
Other names: short protein forms L3309R.
Identifiers: ClinVar variation 1058915 (VCV001058915.3), dbSNP rs2153225570, ClinGen allele CA353198151.